The following is an entry in ClinVar:

NM_001999.4(FBN2):c.4217G>C (p.Cys1406Ser)

Gene: FBN2 (fibrillin 2; minus strand). Cytogenetic location: 5q23.3.
Variant type: single nucleotide variant.
Coding change: c.4217G>C on transcript NM_001999.4 (MANE Select); coding-DNA position 4217, G replaced by C.
Protein change: p.Cys1406Ser; replaces cysteine 1406 with serine.
Molecular consequence: missense variant.
Genome position (GRCh38, 1-based): chr5:128,332,917, C>G on the plus strand (G>C on the coding strand, the complement: FBN2 is on the minus strand). VCF-style: chr5-128332917-C-G. GRCh37 (hg19) VCF-style: chr5-127668609-C-G.
Other names: short protein forms C1406S.
Identifiers: ClinVar variation 4743957 (VCV004743957.1).

ClinVar aggregate classification (germline): Likely pathogenic (1 of 4 stars; one submission).

Conditions:
Congenital contractural arachnodactyly (CCA). Also called: BEALS SYNDROME; Arthrogryposis, distal, type 9; Beals-Hecht syndrome. Identifiers: Orphanet 115, MedGen C0220668, MONDO:0007363, OMIM 121050.

Submission:

Labcorp Genetics (formerly Invitae), Labcorp
Classification: Likely pathogenic for Congenital contractural arachnodactyly. Last evaluated: 2025-03-18. Review status: criteria provided, single submitter. Criteria: Invitae Variant Classification Sherloc (09022015). Collection method: clinical testing. Allele origin: germline.
Comment: This sequence change replaces cysteine, which is neutral and slightly polar, with serine, which is neutral and polar, at codon 1406 of the FBN2 protein (p.Cys1406Ser). This variant is not present in population databases (gnomAD no frequency). This variant has not been reported in the literature in individuals affected with FBN2-related conditions. Invitae Evidence Modeling of protein sequence and biophysical properties (such as structural, functional, and spatial information, amino acid conservation, physicochemical variation, residue mobility, and thermodynamic stability) indicates that this missense variant is expected to disrupt FBN2 protein function with a positive predictive value of 80%. This variant affects a cysteine residue located within an epidermal growth factor (EGF)–like domain of the FBN2 protein. Cysteine residues in these domains are involved in the formation of disulfide bridges critical for protein structure and stability (PMID: 3495735, 4750422, 16677079). In addition, missense substitutions within the FBN2 EGF-like domains affecting cysteine residues are overrepresented in patients with congenital contractural arachnodactyly (PMID: 18767143). In summary, the currently available evidence indicates that the variant is pathogenic, but additional data are needed to prove that conclusively. Therefore, this variant has been classified as Likely Pathogenic.

Literature cited by the submitters: PubMed 3495735; PubMed 4750422; PubMed 16677079; PubMed 18767143.